The following is an entry in ClinVar:

NM_000140.5(FECH):c.598+4A>T

Gene: FECH (ferrochelatase; minus strand). Cytogenetic location: 18q21.31.
Variant type: single nucleotide variant.
Coding change: c.598+4A>T on transcript NM_000140.5 (MANE Select); 4 bases into the intron after coding-DNA position 598, A replaced by T.
Molecular consequence: intron variant.
Genome position (GRCh38, 1-based): chr18:57,566,443, T>A on the plus strand (A>T on the coding strand, the complement: FECH is on the minus strand). VCF-style: chr18-57566443-T-A. GRCh37 (hg19) VCF-style: chr18-55233675-T-A.
Other names: c.598+4A>T (NM_000140.3, NM_001371094.1, NM_001374778.1); c.616+4A>T (NM_001012515.4); c.382+4A>T (NM_001371095.1).
Identifiers: ClinVar variation 2851413 (VCV002851413.4), dbSNP rs756570587, ClinGen allele CA8973165.

ClinVar aggregate classification (germline): Likely benign. Review status: criteria provided, multiple submitters, no conflicts (2 of 4 stars). 2 submissions from 2 submitters: Likely benign (2). Last evaluated 2026-06-19.

Conditions:
FECH-related disorder. Also called: FECH-related condition.

Allele frequency attached by ClinVar (database versions not stated): gnomAD exomes 0.00003; gnomAD 0.00008; ExAC 0.00010; TOPMed 0.00011.

Submissions (2):

PreventionGenetics, part of Exact Sciences
Classification: Likely benign for FECH-related condition. Last evaluated: 2026-06-19. Review status: criteria provided, single submitter. Criteria: ACMG Guidelines, 2015. Collection method: clinical testing. Allele origin: germline.
Comment: This variant is classified as likely benign based on ACMG/AMP sequence variant interpretation guidelines (Richards et al. 2015 PMID: 25741868, with internal and published modifications).

Labcorp Genetics (formerly Invitae), Labcorp
Classification: Likely benign. Last evaluated: 2024-10-30. Review status: criteria provided, single submitter. Criteria: Invitae Variant Classification Sherloc (09022015). Collection method: clinical testing. Allele origin: germline.